The following is an entry in ClinVar:

ClinVar aggregate classification (germline): Uncertain significance (1 of 4 stars; one submission).

Allele frequency attached by ClinVar (database versions not stated): ExAC 0.00001; gnomAD exomes 0.00001.
gnomAD v4.1: 6 of 1,614,034 alleles (0.00037%); highest among the groups gnomAD compares: Admixed American, 0.005%; no homozygotes.

Submission:

Labcorp Genetics (formerly Invitae), Labcorp
Classification: Uncertain significance. Last evaluated: 2024-10-26. Review status: criteria provided, single submitter. Criteria: Invitae Variant Classification Sherloc (09022015). Collection method: clinical testing. Allele origin: germline.
Comment: This sequence change replaces threonine, which is neutral and polar, with alanine, which is neutral and non-polar, at codon 85 of the P4HB protein (p.Thr85Ala). This variant is not present in population databases (gnomAD no frequency). This variant has not been reported in the literature in individuals affected with P4HB-related conditions. Invitae Evidence Modeling of protein sequence and biophysical properties (such as structural, functional, and spatial information, amino acid conservation, physicochemical variation, residue mobility, and thermodynamic stability) indicates that this missense variant is not expected to disrupt P4HB protein function with a negative predictive value of 80%. In summary, the available evidence is currently insufficient to determine the role of this variant in disease. Therefore, it has been classified as a Variant of Uncertain Significance.

NM_000918.4(P4HB):c.253A>G (p.Thr85Ala)

Gene: P4HB (prolyl 4-hydroxylase subunit beta; minus strand). Cytogenetic location: 17q25.3.
Variant type: single nucleotide variant.
Coding change: c.253A>G on transcript NM_000918.4 (MANE Select); coding-DNA position 253, A replaced by G.
Protein change: p.Thr85Ala; replaces threonine 85 with alanine.
Molecular consequence: missense variant.
Genome position (GRCh38, 1-based): chr17:81,859,280, T>C on the plus strand (A>G on the coding strand, the complement: P4HB is on the minus strand). VCF-style: chr17-81859280-T-C. GRCh37 (hg19) VCF-style: chr17-79817156-T-C.
Other names: short protein forms T85A.
Identifiers: ClinVar variation 2990530 (VCV002990530.3), dbSNP rs775201620, ClinGen allele CA8843041.